The following is an entry in ClinVar:

ClinVar aggregate classification (germline): Likely benign (1 of 4 stars; one submission).

Submission:

CeGaT Center for Human Genetics Tuebingen
Classification: Likely benign. Last evaluated: 2025-02-01. Review status: criteria provided, single submitter. Criteria: CeGaT Center For Human Genetics Tuebingen Variant Classification Criteria Version 2. Collection method: clinical testing. Allele origin: germline. Affected: yes. Observed: 1 variant allele.
Comment: MUC22: BP4, BP7

NM_001395414.1(MUC22):c.3498T>C (p.Thr1166=)

Gene: MUC22 (mucin 22; plus strand). Cytogenetic location: 6p21.33.
Variant type: single nucleotide variant.
Coding change: c.3498T>C on transcript NM_001395414.1 (MANE Select); coding-DNA position 3498, T replaced by C.
Protein change: p.Thr1166=; no amino-acid change (threonine 1166 retained).
Molecular consequence: synonymous variant.
Genome position (GRCh38, 1-based): chr6:31,028,929, T>C. VCF-style: chr6-31028929-T-C. GRCh37 (hg19) VCF-style: chr6-30996706-T-C.
Other names: c.3498T>C, p.Thr1166= (NM_001198815.1); c.3507T>C, p.Thr1169= (NM_001318484.1).
Identifiers: ClinVar variation 3770515 (VCV003770515.13).